The following is an entry in ClinVar:

NM_182972.3(IRF2BP2):c.796C>T (p.His266Tyr)

Gene: IRF2BP2 (interferon regulatory factor 2 binding protein 2; minus strand). Cytogenetic location: 1q42.3.
Variant type: single nucleotide variant.
Coding change: c.796C>T on transcript NM_182972.3 (MANE Select); coding-DNA position 796, C replaced by T.
Protein change: p.His266Tyr; replaces histidine 266 with tyrosine.
Molecular consequence: missense variant.
Genome position (GRCh38, 1-based): chr1:234,608,699, G>A on the plus strand (C>T on the coding strand, the complement: IRF2BP2 is on the minus strand). VCF-style: chr1-234608699-G-A. GRCh37 (hg19) VCF-style: chr1-234744445-G-A.
Other names: c.796C>T, p.His266Tyr (NM_001077397.1); short protein forms H266Y.
Identifiers: ClinVar variation 1928562 (VCV001928562.5), dbSNP rs1412278161, ClinGen allele CA345308412.

ClinVar aggregate classification (germline): Uncertain significance (1 of 4 stars; one submission).

Allele frequency attached by ClinVar (database versions not stated): gnomAD exomes below 0.00001; TOPMed below 0.00001.
gnomAD v4.1: 1 of 1,502,972 alleles (0.000067%); highest among the groups gnomAD compares: Non-Finnish European, 0.000088%; no homozygotes.

Submission:

Labcorp Genetics (formerly Invitae), Labcorp
Classification: Uncertain significance. Last evaluated: 2024-11-18. Review status: criteria provided, single submitter. Criteria: Invitae Variant Classification Sherloc (09022015). Collection method: clinical testing. Allele origin: germline.
Comment: This sequence change replaces histidine, which is basic and polar, with tyrosine, which is neutral and polar, at codon 266 of the IRF2BP2 protein (p.His266Tyr). The frequency data for this variant in the population databases is considered unreliable, as metrics indicate poor data quality at this position in the gnomAD database. This variant has not been reported in the literature in individuals affected with IRF2BP2-related conditions. ClinVar contains an entry for this variant (Variation ID: 1928562). An algorithm developed to predict the effect of missense changes on protein structure and function (PolyPhen-2) suggests that this variant is likely to be tolerated. In summary, the available evidence is currently insufficient to determine the role of this variant in disease. Therefore, it has been classified as a Variant of Uncertain Significance.